The following is an entry in ClinVar:

ClinVar aggregate classification (germline): Pathogenic/Likely pathogenic. Review status: criteria provided, multiple submitters, no conflicts (2 of 4 stars). 3 submissions from 3 submitters: Pathogenic (1); Likely pathogenic (2). Last evaluated 2025-03-01.

Conditions:
Autosomal recessive polycystic kidney disease (ARPKD). Also called: AR polycystic kidney disease. Identifiers: Orphanet 731, Orphanet 8378, MedGen C0085548, MeSH D017044, MONDO:0009889.
Polycystic kidney disease 4 (PKD4). Also called: PKD3; Autosomal Recessive Polycystic Kidney Disease – PKHD1; POLYCYSTIC KIDNEY AND HEPATIC DISEASE 1; POLYCYSTIC KIDNEY DISEASE, INFANTILE, TYPE I; POLYCYSTIC KIDNEY DISEASE 4 WITH OR WITHOUT POLYCYSTIC LIVER DISEASE. Identifiers: MedGen C4540575, MONDO:0033004, OMIM 263200.

Submissions (3):

CeGaT Center for Human Genetics Tuebingen
Classification: Likely pathogenic. Last evaluated: 2025-03-01. Review status: criteria provided, single submitter. Criteria: CeGaT Center For Human Genetics Tuebingen Variant Classification Criteria Version 2. Collection method: clinical testing. Allele origin: germline. Affected: yes. Observed: 1 variant allele.
Comment: PKHD1: PS1, PM2, PM5

Genomics, Clalit Research Institute, Clalit Health Care
Classification: Likely pathogenic for Polycystic kidney disease 4. Last evaluated: 2024-12-23. Review status: criteria provided, single submitter. Criteria: ACMG Guidelines, 2015. Collection method: clinical testing. Allele origin: germline. Inheritance: Autosomal recessive inheritance. Affected: yes. Observed: 1 homozygote.
Comment: Frequency: The variant is absent from the gnomAD reference population dataset. Variant type: The variant is a novel missense change at an amino acid residue where a different missense change determined to be pathogenic has been seen before. Variant site: Located in a mutational hot spot and/or critical and well-established functional domain (e.g. active site of enzyme) without benign variation. Prediction tools: REVEL predicts a deleterious effect on the gene or gene product (score 0.72).

Labcorp Genetics (formerly Invitae), Labcorp
Classification: Pathogenic for Autosomal recessive polycystic kidney disease. Last evaluated: 2024-01-30. Review status: criteria provided, single submitter. Criteria: Invitae Variant Classification Sherloc (09022015). Collection method: clinical testing. Allele origin: germline.
Comment: This sequence change replaces cysteine, which is neutral and slightly polar, with serine, which is neutral and polar, at codon 1431 of the PKHD1 protein (p.Cys1431Ser). This variant is not present in population databases (gnomAD no frequency). This missense change has been observed in individual(s) with autosomal recessive polycystic kidney disease (PMID: 15698423). In at least one individual the data is consistent with being in trans (on the opposite chromosome) from a pathogenic variant. Advanced modeling of protein sequence and biophysical properties (such as structural, functional, and spatial information, amino acid conservation, physicochemical variation, residue mobility, and thermodynamic stability) performed at Invitae indicates that this missense variant is expected to disrupt PKHD1 protein function with a positive predictive value of 95%. This variant disrupts the p.Cys1431 amino acid residue in PKHD1. Other variant(s) that disrupt this residue have been determined to be pathogenic (PMID: 27225849; Invitae). This suggests that this residue is clinically significant, and that variants that disrupt this residue are likely to be disease-causing. For these reasons, this variant has been classified as Pathogenic.

Literature cited by the submitters: PubMed 15698423 (cited by Labcorp Genetics (formerly Invitae), Labcorp); PubMed 27225849 (cited by Labcorp Genetics (formerly Invitae), Labcorp).

NM_138694.4(PKHD1):c.4292G>C (p.Cys1431Ser)

Gene: PKHD1 (PKHD1 ciliary IPT domain containing fibrocystin/polyductin; minus strand). Cytogenetic location: 6p12.2.
Variant type: single nucleotide variant.
Coding change: c.4292G>C on transcript NM_138694.4 (MANE Select); coding-DNA position 4292, G replaced by C.
Protein change: p.Cys1431Ser; replaces cysteine 1431 with serine.
Molecular consequence: missense variant.
Genome position (GRCh38, 1-based): chr6:52,025,518, C>G on the plus strand (G>C on the coding strand, the complement: PKHD1 is on the minus strand). VCF-style: chr6-52025518-C-G. GRCh37 (hg19) VCF-style: chr6-51890316-C-G.
Other names: c.4292G>C, p.Cys1431Ser (NM_170724.3); short protein forms C1431S.
Identifiers: ClinVar variation 3635293 (VCV003635293.11).